The following is an entry in ClinVar:

NM_001723.7(DST):c.7491G>A (p.Lys2497=)

Gene: DST (dystonin; minus strand). Cytogenetic location: 6p12.1.
Variant type: single nucleotide variant.
Coding change: c.7491G>A on transcript NM_001723.7 (MANE Plus Clinical); coding-DNA position 7491, G replaced by A.
Protein change: p.Lys2497=; no amino-acid change (lysine 2497 retained).
Molecular consequence: synonymous variant. On other transcripts: intron variant (10).
Genome position (GRCh38, 1-based): chr6:56,615,976, C>T on the plus strand (G>A on the coding strand, the complement: DST is on the minus strand). VCF-style: chr6-56615976-C-T. GRCh37 (hg19) VCF-style: chr6-56480774-C-T.
Other names: c.4831-1492G>A (NM_001144769.5); c.4930-1492G>A (NM_001374722.1, NM_001374736.1); c.4957-1492G>A (NM_001374734.1); c.4417-1492G>A (NM_001144770.2); c.4297-1492G>A (NM_001374730.1, NM_001386100.1, NM_183380.4 and 1 more transcripts); c.3319-1492G>A (NM_015548.5).
Identifiers: ClinVar variation 357548 (VCV000357548.21), dbSNP rs145891100, ClinGen allele CA3869954.

ClinVar aggregate classification (germline): Benign/Likely benign. Review status: criteria provided, multiple submitters, no conflicts (2 of 4 stars). 3 submissions from 3 submitters: Benign (2); Likely benign (1). Last evaluated 2025-12-26.

Conditions:
DST-related disorder. Also called: DST-related disorders; DST-related condition.
Epidermolysis bullosa simplex 3, localized or generalized intermediate, with BP230 deficiency (EBS3). Also called: Epidermolysis bullosa simplex due to BP230 deficiency; Epidermolysis bullosa simplex, autosomal recessive 2. Identifiers: Orphanet 412181, MedGen C3809470, MONDO:0014180, OMIM 615425.
Hereditary sensory and autonomic neuropathy type 6. Also called: HSAN VI; Neuropathy, hereditary sensory and autonomic, type VI. Identifiers: Orphanet 314381, MedGen C3539003, MONDO:0013839, OMIM 614653.

Allele frequency attached by ClinVar (database versions not stated): gnomAD exomes 0.00132; ExAC 0.00152; 1000 Genomes Project 30x 0.00484; gnomAD 0.00518; 1000 Genomes Project 0.00539; TOPMed 0.00555; ESP Exome Variant Server 0.00600.
gnomAD v4.1: 1,429 of 1,614,230 alleles (0.089%); highest among the groups gnomAD compares: African/African-American, 1.7%; 4 homozygotes.

Submissions (3):

Labcorp Genetics (formerly Invitae), Labcorp
Classification: Benign for Epidermolysis bullosa simplex 3, localized or generalized intermediate, with BP230 deficiency; Hereditary sensory and autonomic neuropathy type 6. Last evaluated: 2025-12-26. Review status: criteria provided, single submitter. Criteria: Invitae Variant Classification Sherloc (09022015). Collection method: clinical testing. Allele origin: germline.

PreventionGenetics, part of Exact Sciences
Classification: Benign for DST-related condition. Last evaluated: 2025-04-03. Review status: criteria provided, single submitter. Criteria: ACMG Guidelines, 2015. Collection method: clinical testing. Allele origin: germline.
Comment: This variant is classified as benign based on ACMG/AMP sequence variant interpretation guidelines (Richards et al. 2015 PMID: 25741868, with internal and published modifications).

Blueprint Genetics
Classification: Likely benign. Last evaluated: 2024-10-18. Review status: criteria provided, single submitter. Criteria: ACMG Guidelines, 2015. Collection method: clinical testing. Allele origin: germline.